The following is an entry in ClinVar:

ClinVar aggregate classification (germline): Uncertain significance. Review status: criteria provided, multiple submitters, no conflicts (2 of 4 stars). 2 submissions from 2 submitters: Uncertain significance (2). Last evaluated 2022-05-14.

Conditions:
Tuberous sclerosis 2 (TSC2). Identifiers: Orphanet 805, MedGen C1860707, MONDO:0013199, OMIM 613254.
Hereditary cancer-predisposing syndrome. Also called: Hereditary neoplastic syndrome; Neoplastic Syndromes, Hereditary; Tumor predisposition; Hereditary Cancer Syndrome. Identifiers: Orphanet 140162, MedGen C0027672, MeSH D009386, MONDO:0015356.

Submissions (2):

Labcorp Genetics (formerly Invitae), Labcorp
Classification: Uncertain significance for Tuberous sclerosis 2. Last evaluated: 2022-05-14. Review status: criteria provided, single submitter. Criteria: Invitae Variant Classification Sherloc (09022015). Collection method: clinical testing. Allele origin: germline.
Comment: ClinVar contains an entry for this variant (Variation ID: 1042441). This sequence change replaces threonine, which is neutral and polar, with serine, which is neutral and polar, at codon 1206 of the TSC2 protein (p.Thr1206Ser). This variant is not present in population databases (gnomAD no frequency). This variant has not been reported in the literature in individuals affected with TSC2-related conditions. Advanced modeling of protein sequence and biophysical properties (such as structural, functional, and spatial information, amino acid conservation, physicochemical variation, residue mobility, and thermodynamic stability) performed at Invitae indicates that this missense variant is not expected to disrupt TSC2 protein function. Algorithms developed to predict the effect of sequence changes on RNA splicing suggest that this variant may create or strengthen a splice site. In summary, the available evidence is currently insufficient to determine the role of this variant in disease. Therefore, it has been classified as a Variant of Uncertain Significance.

Ambry Genetics
Classification: Uncertain significance for Hereditary cancer-predisposing syndrome. Last evaluated: 2021-05-08. Review status: criteria provided, single submitter. Criteria: Ambry Variant Classification Scheme 2023. Collection method: clinical testing. Allele origin: germline.
Comment: The p.T1206S variant (also known as c.3617C>G), located in coding exon 30 of the TSC2 gene, results from a C to G substitution at nucleotide position 3617. The threonine at codon 1206 is replaced by serine, an amino acid with similar properties. This amino acid position is highly conserved in available vertebrate species. In addition, the in silico prediction for this alteration is inconclusive. Since supporting evidence is limited at this time, the clinical significance of this alteration remains unclear.

NM_000548.5(TSC2):c.3617C>G (p.Thr1206Ser)

Gene: TSC2 (TSC complex subunit 2; plus strand). Cytogenetic location: 16p13.3.
Variant type: single nucleotide variant.
Coding change: c.3617C>G on transcript NM_000548.5 (MANE Select); coding-DNA position 3617, C replaced by G.
Protein change: p.Thr1206Ser; replaces threonine 1206 with serine.
Molecular consequence: missense variant.
Genome position (GRCh38, 1-based): chr16:2,081,601, C>G. VCF-style: chr16-2081601-C-G. GRCh37 (hg19) VCF-style: chr16-2131602-C-G.
Other names: c.3485C>G, p.Thr1162Ser (NM_001077183.3, NM_001370404.1); c.3617C>G, p.Thr1206Ser (NM_001114382.3); c.3377C>G, p.Thr1126Ser (NM_001318827.2); c.3341C>G, p.Thr1114Ser (NM_001318829.2); c.2885C>G, p.Thr962Ser (NM_001318831.2); c.3518C>G, p.Thr1173Ser (NM_001318832.2); c.3488C>G, p.Thr1163Ser (NM_001363528.2, NM_001370405.1, NM_021055.3); short protein forms T1173S, T1206S, T962S, T1114S, T1126S, T1162S, T1163S.
Identifiers: ClinVar variation 1042441 (VCV001042441.12), dbSNP rs2090150662, ClinGen allele CA394291436.
Genomic context (GRCh38, chr16:2,081,601, plus strand): 5'-AGATGGGTAAGGGGAGGTACTGGCCTCAGGCCAAAGGTGCTGCCGCCTCCGCAGGGAACA[C>G]CAGCTGGCTGATGAGCCTGGAGAACCCGCTCAGCCCTTTCTCCTCGGACATCAACAACAT-3'
Protein context (NP_000539.2, residues 1196-1216): EILVRRPTGN[Thr1206Ser]SWLMSLENPL